The following is an entry in ClinVar:

ClinVar aggregate classification (germline): Uncertain significance (1 of 4 stars; one submission).

Submission:

Labcorp Genetics (formerly Invitae), Labcorp
Classification: Uncertain significance. Last evaluated: 2023-09-22. Review status: criteria provided, single submitter. Criteria: Invitae Variant Classification Sherloc (09022015). Collection method: clinical testing. Allele origin: germline.
Comment: Experimental studies and prediction algorithms are not available or were not evaluated, and the functional significance of this variant is currently unknown. In summary, the available evidence is currently insufficient to determine the role of this variant in disease. Therefore, it has been classified as a Variant of Uncertain Significance. This variant has not been reported in the literature in individuals affected with KAT6A-related conditions. This sequence change replaces isoleucine, which is neutral and non-polar, with valine, which is neutral and non-polar, at codon 1731 of the KAT6A protein (p.Ile1731Val). This variant is not present in population databases (gnomAD no frequency).

NM_006766.5(KAT6A):c.5191A>G (p.Ile1731Val)

Gene: KAT6A (lysine acetyltransferase 6A; minus strand). Cytogenetic location: 8p11.21.
Variant type: single nucleotide variant.
Coding change: c.5191A>G on transcript NM_006766.5 (MANE Select); coding-DNA position 5191, A replaced by G.
Protein change: p.Ile1731Val; replaces isoleucine 1731 with valine.
Molecular consequence: missense variant.
Genome position (GRCh38, 1-based): chr8:41,933,029, T>C on the plus strand (A>G on the coding strand, the complement: KAT6A is on the minus strand). VCF-style: chr8-41933029-T-C. GRCh37 (hg19) VCF-style: chr8-41790547-T-C.
Other names: short protein forms I1731V.
Identifiers: ClinVar variation 2762207 (VCV002762207.3), dbSNP rs371730499, ClinGen allele CA371063357.